The following is an entry in ClinVar:

NM_000257.4(MYH7):c.3345C>G (p.Ile1115Met)

Gene: MYH7 (myosin heavy chain 7; minus strand). Cytogenetic location: 14q11.2.
Variant type: single nucleotide variant.
Coding change: c.3345C>G on transcript NM_000257.4 (MANE Select); coding-DNA position 3345, C replaced by G.
Protein change: p.Ile1115Met; replaces isoleucine 1115 with methionine.
Molecular consequence: missense variant.
Genome position (GRCh38, 1-based): chr14:23,420,226, G>C on the plus strand (C>G on the coding strand, the complement: MYH7 is on the minus strand). VCF-style: chr14-23420226-G-C. GRCh37 (hg19) VCF-style: chr14-23889435-G-C.
Other names: short protein forms I1115M.
Identifiers: ClinVar variation 1515562 (VCV001515562.7), dbSNP rs786204377, ClinGen allele CA389044200.

ClinVar aggregate classification (germline): Uncertain significance (1 of 4 stars; one submission).

Conditions:
Hypertrophic cardiomyopathy. Also called: HYPERTROPHIC MYOCARDIOPATHY. Identifiers: Orphanet 217569, MedGen C0007194, MeSH D002312, MONDO:0005045, HP:0001639.

gnomAD v4.1: 1 of 1,609,200 alleles (0.000062%); highest among the groups gnomAD compares: Non-Finnish European, 0.000085%; no homozygotes.

Submission:

Labcorp Genetics (formerly Invitae), Labcorp
Classification: Uncertain significance for Hypertrophic cardiomyopathy. Last evaluated: 2024-08-04. Review status: criteria provided, single submitter. Criteria: Invitae Variant Classification Sherloc (09022015). Collection method: clinical testing. Allele origin: germline.
Comment: This sequence change replaces isoleucine, which is neutral and non-polar, with methionine, which is neutral and non-polar, at codon 1115 of the MYH7 protein (p.Ile1115Met). This variant is not present in population databases (gnomAD no frequency). This variant has not been reported in the literature in individuals affected with MYH7-related conditions. ClinVar contains an entry for this variant (Variation ID: 1515562). Advanced modeling of protein sequence and biophysical properties (such as structural, functional, and spatial information, amino acid conservation, physicochemical variation, residue mobility, and thermodynamic stability) has been performed at Invitae for this missense variant, however the output from this modeling did not meet the statistical confidence thresholds required to predict the impact of this variant on MYH7 protein function. In summary, the available evidence is currently insufficient to determine the role of this variant in disease. Therefore, it has been classified as a Variant of Uncertain Significance.